The following is an entry in ClinVar:

ClinVar aggregate classification (germline): Conflicting classifications of pathogenicity. Review status: criteria provided, conflicting classifications (1 of 4 stars). 11 submissions from 11 submitters: Uncertain significance (1); Benign (5); Likely benign (3). 2 of the submissions do not count toward it. Last evaluated 2026-02-04.

Conditions:
DES-related disorder. Also called: DES-related condition.
Cardiovascular phenotype. Identifiers: MedGen CN230736.
Desmin-related myofibrillar myopathy (MFM1). Also called: Desminopathy; Myofibrillar myopathy 1; Desmin related myopathy (former name); Desmin storage myopathy (former name); MYOFIBRILLAR MYOPATHY WITH ARRHYTHMOGENIC RIGHT VENTRICULAR CARDIOMYOPATHY; DESMIN-RELATED MYOPATHY WITH ARRHYTHMOGENIC RIGHT VENTRICULAR CARDIOMYOPATHY. Identifiers: Orphanet 363543, Orphanet 98909, MedGen C1832370, MONDO:0011076, OMIM 601419.
Cardiomyopathy (CMYO). Also called: Cardiomyopathies. Identifiers: Orphanet 167848, MedGen C0878544, MONDO:0004994, HP:0001638. Inheritance: Various modes of inheritance.

Allele frequency attached by ClinVar (database versions not stated): TOPMed 0.00033; 1000 Genomes Project 30x 0.00187; 1000 Genomes Project 0.00220.

Submissions (11):

Labcorp Genetics (formerly Invitae), Labcorp
Classification: Benign for Desmin-related myofibrillar myopathy. Last evaluated: 2026-02-04. Review status: criteria provided, single submitter. Criteria: Invitae Variant Classification Sherloc (09022015). Collection method: clinical testing. Allele origin: germline.

PreventionGenetics, part of Exact Sciences
Classification: Benign for DES-related condition. Last evaluated: 2026-01-30. Review status: criteria provided, single submitter. Criteria: ACMG Guidelines, 2015. Collection method: clinical testing. Allele origin: germline.
Comment: This variant is classified as benign based on ACMG/AMP sequence variant interpretation guidelines (Richards et al. 2015 PMID: 25741868, with internal and published modifications).

Molecular Diagnostic Laboratory for Inherited Cardiovascular Disease, Montreal Heart Institute
Classification: Likely benign. Last evaluated: 2025-04-09. Review status: criteria provided, single submitter. Criteria: ACMG Guidelines, 2015. Collection method: clinical testing. Allele origin: germline. Affected: no.
Comment: BS1;BP7

Blueprint Genetics
Classification: Likely benign. Last evaluated: 2024-11-21. Review status: criteria provided, single submitter. Criteria: ACMG Guidelines, 2015. Collection method: clinical testing. Allele origin: germline.

CHEO Genetics Diagnostic Laboratory, Children's Hospital of Eastern Ontario
Classification: Benign for Cardiomyopathy. Last evaluated: 2021-05-03. Review status: criteria provided, single submitter. Criteria: ACMG Guidelines, 2015. Collection method: clinical testing. Allele origin: germline.

Ambry Genetics
Classification: Likely benign for Cardiovascular phenotype. Last evaluated: 2017-04-10. Review status: criteria provided, single submitter. Criteria: Ambry Variant Classification Scheme 2023. Collection method: clinical testing. Allele origin: germline.

Laboratory for Molecular Medicine, Mass General Brigham Personalized Medicine
Classification: Benign. Last evaluated: 2015-10-01. Review status: criteria provided, single submitter. Criteria: LMM Criteria. Collection method: clinical testing. Allele origin: germline. Observed: 2 variant alleles.
Comment: p.Ile451Ile in exon 8 of DES:This variant is not expected to have clinical signi ficance because it does not alter an amino acid residue and is not located withi n the splice consensus sequence. It has been identified in 1.1% (43/3920) of Eas t Asian chromosomes by the Exome Aggregation Consortium (ExAC; dbSNP rs121913002).

Eurofins Ntd Llc (ga)
Classification: Uncertain significance. Last evaluated: 2015-09-10. Review status: criteria provided, single submitter. Criteria: EGL Classification Definitions 2015. Collection method: clinical testing. Allele origin: germline. Observed: 1 variant allele, 1 heterozygote.

GeneDx
Classification: Benign. Last evaluated: 2015-03-03. Review status: criteria provided, single submitter. Criteria: GeneDx Variant Classification Process June 2021. Collection method: clinical testing. Allele origin: germline. Affected: yes.

Clinical Genetics, Academic Medical Center
Classification: Benign. Review status: no assertion criteria provided. Collection method: clinical testing. Allele origin: germline. Affected: yes. Study: VKGL Data-share Consensus. Not counted in ClinVar's aggregate classification.

Genome Diagnostics Laboratory, University Medical Center Utrecht
Classification: Likely benign. Review status: no assertion criteria provided. Collection method: clinical testing. Allele origin: germline. Affected: yes. Study: VKGL Data-share Consensus. Not counted in ClinVar's aggregate classification.

Literature cited by the submitters: PubMed 17325244 (cited by Laboratory for Molecular Medicine, Mass General Brigham Personalized Medicine); PubMed 10430757 (cited by Laboratory for Molecular Medicine, Mass General Brigham Personalized Medicine).

NM_001927.4(DES):c.1353C>T (p.Ile451=)

Gene: DES (desmin; plus strand). Cytogenetic location: 2q35.
Variant type: single nucleotide variant.
Coding change: c.1353C>T on transcript NM_001927.4 (MANE Select); coding-DNA position 1353, C replaced by T.
Protein change: p.Ile451=; no amino-acid change (isoleucine 451 retained).
Molecular consequence: synonymous variant.
Genome position (GRCh38, 1-based): chr2:219,425,727, C>T. VCF-style: chr2-219425727-C-T. GRCh37 (hg19) VCF-style: chr2-220290449-C-T.
Identifiers: ClinVar variation 226559 (VCV000226559.31), dbSNP rs121913002, ClinGen allele CA2125305.